The following is an entry in ClinVar:

ClinVar aggregate classification (germline): Likely benign (1 of 4 stars; one submission).

Conditions:
PTCH1-related disorder. Also called: PTCH1-related disorders; PTCH1-related condition.

gnomAD v4.1: 28 of 1,593,616 alleles (0.0018%); highest among the groups gnomAD compares: Non-Finnish European, 0.0023%; no homozygotes.

Submission:

PreventionGenetics, part of Exact Sciences
Classification: Likely benign for PTCH1-related condition. Last evaluated: 2024-12-30. Review status: criteria provided, single submitter. Criteria: ACMG Guidelines, 2015. Collection method: clinical testing. Allele origin: germline.
Comment: This variant is classified as likely benign based on ACMG/AMP sequence variant interpretation guidelines (Richards et al. 2015 PMID: 25741868, with internal and published modifications).

NM_001083603.3(PTCH1):c.-8C>T

Gene: PTCH1 (patched 1; minus strand). Cytogenetic location: 9q22.32.
Variant type: single nucleotide variant.
Coding change: c.-8C>T on transcript NM_001083603.3 (MANE Plus Clinical); 8 bases upstream of the start codon, C replaced by T.
Molecular consequence: 5 prime UTR variant.
Genome position (GRCh38, 1-based): chr9:95,516,828, G>A on the plus strand (C>T on the coding strand, the complement: PTCH1 is on the minus strand). VCF-style: chr9-95516828-G-A. GRCh37 (hg19) VCF-style: chr9-98279110-G-A.
Other names: c.-357C>T (NM_001083602.3, NM_001354919.2).
Identifiers: ClinVar variation 4987866 (VCV004987866.1).